The following is an entry in ClinVar:

NM_004612.4(TGFBR1):c.463C>G (p.His155Asp)

Gene: TGFBR1 (transforming growth factor beta receptor 1; plus strand). Cytogenetic location: 9q22.33.
Variant type: single nucleotide variant.
Coding change: c.463C>G on transcript NM_004612.4 (MANE Select); coding-DNA position 463, C replaced by G.
Protein change: p.His155Asp; replaces histidine 155 with aspartic acid.
Molecular consequence: missense variant. On other transcripts: intron variant (1).
Genome position (GRCh38, 1-based): chr9:99,132,628, C>G. VCF-style: chr9-99132628-C-G. GRCh37 (hg19) VCF-style: chr9-101894910-C-G.
Other names: c.475C>G, p.His159Asp (NM_001306210.2); c.343+3528C>G (NM_001130916.3); short protein forms H155D, H159D.
Identifiers: ClinVar variation 1702289 (VCV001702289.8), dbSNP rs751679796, ClinGen allele CA374228123.

ClinVar aggregate classification (germline): Uncertain significance. Review status: criteria provided, multiple submitters, no conflicts (2 of 4 stars). 4 submissions from 4 submitters: Uncertain significance (4). Last evaluated 2024-08-13.

Conditions:
Ehlers-Danlos syndrome (EDS). Identifiers: Orphanet 98249, MedGen C0013720, MONDO:0020066.
Loeys-Dietz syndrome (LDS). Identifiers: Orphanet 60030, MedGen C2697932, MONDO:0018954.
Familial thoracic aortic aneurysm and aortic dissection (TAAD). Also called: Thoracic aortic aneurysms and dissections. Identifiers: Orphanet 91387, MedGen C4707243, MONDO:0019625.

Allele frequency attached by ClinVar (database versions not stated): TOPMed below 0.00001.
gnomAD v4.1: 12 of 1,614,048 alleles (0.00074%); highest among the groups gnomAD compares: Non-Finnish European, 0.00085%; no homozygotes.

Submissions (4):

All of Us Research Program, National Institutes of Health
Classification: Uncertain significance for Loeys-Dietz syndrome. Last evaluated: 2024-08-13. Review status: criteria provided, single submitter. Criteria: ACMG Guidelines, 2015. Collection method: clinical testing. Allele origin: germline. Inheritance: Autosomal dominant inheritance. Observed: 1 variant allele, 1 heterozygote.
Comment: This missense variant replaces histidine with aspartic acid at codon 155 of the TGFBR1 protein. Computational prediction suggests that this variant may not impact protein structure and function (internally defined REVEL score threshold <= 0.5, PMID: 27666373). To our knowledge, functional studies have not been reported for this variant. This variant has not been reported in individuals affected with TGFBR1-related disorders in the literature. This variant has been identified in 1/251104 chromosomes in the general population by the Genome Aggregation Database (gnomAD). The available evidence is insufficient to determine the role of this variant in disease conclusively. Therefore, this variant is classified as a Variant of Uncertain Significance.

This study involves interpretation of variants in research participants for the purpose of population health screening. Participant phenotype was not available at the time of variant classification. Additional details can be found in publication PMID: 35346344, PMCID: PMC8962531

Color Diagnostics, LLC DBA Color Health
Classification: Uncertain significance for Familial thoracic aortic aneurysm and aortic dissection. Last evaluated: 2024-07-30. Review status: criteria provided, single submitter. Criteria: ACMG Guidelines, 2015. Collection method: clinical testing. Allele origin: germline.
Comment: This missense variant replaces histidine with aspartic acid at codon 155 of the TGFBR1 protein. Computational prediction suggests that this variant may not impact protein structure and function. To our knowledge, functional studies have not been reported for this variant. This variant has not been reported in individuals affected with TGFBR1-related disorders in the literature. This variant has been identified in 1/251104 chromosomes in the general population by the Genome Aggregation Database (gnomAD). The available evidence is insufficient to determine the role of this variant in disease conclusively. Therefore, this variant is classified as a Variant of Uncertain Significance.

Labcorp Genetics (formerly Invitae), Labcorp
Classification: Uncertain significance for Familial thoracic aortic aneurysm and aortic dissection. Last evaluated: 2023-10-04. Review status: criteria provided, single submitter. Criteria: Invitae Variant Classification Sherloc (09022015). Collection method: clinical testing. Allele origin: germline.
Comment: This sequence change replaces histidine, which is basic and polar, with aspartic acid, which is acidic and polar, at codon 155 of the TGFBR1 protein (p.His155Asp). This variant is present in population databases (no rsID available, gnomAD no frequency). This variant has not been reported in the literature in individuals affected with TGFBR1-related conditions. ClinVar contains an entry for this variant (Variation ID: 1702289). Advanced modeling of protein sequence and biophysical properties (such as structural, functional, and spatial information, amino acid conservation, physicochemical variation, residue mobility, and thermodynamic stability) performed at Invitae indicates that this missense variant is not expected to disrupt TGFBR1 protein function. In summary, the available evidence is currently insufficient to determine the role of this variant in disease. Therefore, it has been classified as a Variant of Uncertain Significance.

Genome Diagnostics Laboratory, The Hospital for Sick Children
Classification: Uncertain significance for Ehlers-Danlos syndrome. Last evaluated: 2019-05-01. Review status: criteria provided, single submitter. Criteria: ACMG Guidelines, 2015. Collection method: clinical testing. Allele origin: germline.